The following is an entry in ClinVar:

ClinVar aggregate classification (germline): Likely benign (1 of 4 stars; one submission).

gnomAD v4.1: 35 of 1,613,784 alleles (0.0022%); highest among the groups gnomAD compares: Middle Eastern, 0.033%; no homozygotes.

Submission:

CeGaT Center for Human Genetics Tuebingen
Classification: Likely benign. Last evaluated: 2025-07-01. Review status: criteria provided, single submitter. Criteria: CeGaT Center For Human Genetics Tuebingen Variant Classification Criteria Version 2. Collection method: clinical testing. Allele origin: germline. Affected: yes. Observed: 2 variant alleles.
Comment: ASCC3: BP4, BP7

NM_006828.4(ASCC3):c.2856G>A (p.Gln952=)

Gene: ASCC3 (activating signal cointegrator 1 complex subunit 3; minus strand). Cytogenetic location: 6q16.3.
Variant type: single nucleotide variant.
Coding change: c.2856G>A on transcript NM_006828.4 (MANE Select); coding-DNA position 2856, G replaced by A.
Protein change: p.Gln952=; no amino-acid change (glutamine 952 retained).
Molecular consequence: synonymous variant.
Genome position (GRCh38, 1-based): chr6:100,652,857, C>T on the plus strand (G>A on the coding strand, the complement: ASCC3 is on the minus strand). VCF-style: chr6-100652857-C-T. GRCh37 (hg19) VCF-style: chr6-101100733-C-T.
Identifiers: ClinVar variation 3771244 (VCV003771244.13).
Genomic context (GRCh38, chr6:100,652,857, plus strand): 5'-TCGCTCCTCAAAACGAATCATCTGAGCTTTGTCTAGTTTTCGTCCAACTTCAATGACCAA[C>T]TGTTCTCGATGCTTTCTTAATGTTGGGTCAATCTATGGCAAAAAATATATAAACAGTTGA-3'
Protein context (NP_006819.2, residues 942-962): IDPTLRKHRE[Gln952=]LVIEVGRKLD